The following is an entry in ClinVar:

NM_018105.3(THAP1):c.*1250G>A

Gene: THAP1 (THAP domain containing 1; minus strand). Cytogenetic location: 8p11.21.
Variant type: single nucleotide variant.
Coding change: c.*1250G>A on transcript NM_018105.3 (MANE Select); 1250 bases downstream of the stop codon, G replaced by A.
Molecular consequence: 3 prime UTR variant.
Genome position (GRCh38, 1-based): chr8:42,836,712, C>T on the plus strand (G>A on the coding strand, the complement: THAP1 is on the minus strand). VCF-style: chr8-42836712-C-T. GRCh37 (hg19) VCF-style: chr8-42691855-C-T.
Other names: c.*1534G>A (NM_199003.2).
Identifiers: ClinVar variation 363106 (VCV000363106.5), dbSNP rs543106396, ClinGen allele CA10631114.

ClinVar aggregate classification (germline): Benign (1 of 4 stars; one submission).

Conditions:
Torsion dystonia 6 (DYT6). Also called: DYT-THAP1. Identifiers: Orphanet 98806, MedGen C1414216, MONDO:0011264, OMIM 602629.

Allele frequency attached by ClinVar (database versions not stated): 1000 Genomes Project 0.00060; gnomAD 0.00093 and 0.00103; 1000 Genomes Project 30x 0.00094; TOPMed 0.00110.
gnomAD v4.1: 139 of 152,712 alleles (0.091%); highest among the groups gnomAD compares: African/African-American, 0.32%; 1 homozygote.

Submission:

Illumina Laboratory Services, Illumina
Classification: Benign for Torsion dystonia 6. Last evaluated: 2018-01-13. Review status: criteria provided, single submitter. Criteria: ICSL Variant Classification Criteria 13 December 2019. Collection method: clinical testing. Allele origin: germline.
Comment: This variant was observed in the ICSL laboratory as part of a predisposition screen in an ostensibly healthy population. It had not been previously curated by ICSL or reported in the Human Gene Mutation Database (HGMD: prior to June 1st, 2018), and was therefore a candidate for classification through an automated scoring system. Utilizing variant allele frequency, disease prevalence and penetrance estimates, and inheritance mode, an automated score was calculated to assess if this variant is too frequent to cause the disease. Based on the score and internal cut-off values, a variant classified as benign is not then subjected to further curation. The score for this variant resulted in a classification of benign for this disease.